The following is an entry in ClinVar:

ClinVar aggregate classification (germline): Uncertain significance (1 of 4 stars; one submission).

Submission:

Dasa
Classification: Uncertain significance. Last evaluated: 2024-11-07. Review status: criteria provided, single submitter. Criteria: DASA Assertion Criteria. Collection method: clinical testing. Allele origin: germline.
Comment: NM_001110556.2(FLNA):c.6123G>C (p.Gln2041His) is a missense variant that results in the substitution of glutamine with histidine. This variant is absent from population databases. Computational prediction algorithms are consistent with a benign effect. The currently available literature and clinical evidence are not sufficient to establish a definitive association between this variant and the reported condition. Therefore, this variant is classified as a variant of uncertain significance.

NM_001110556.2(FLNA):c.6123G>C (p.Gln2041His)

Gene: FLNA (filamin A; minus strand). Cytogenetic location: Xq28.
Variant type: single nucleotide variant.
Coding change: c.6123G>C on transcript NM_001110556.2 (MANE Select); coding-DNA position 6123, G replaced by C.
Protein change: p.Gln2041His; replaces glutamine 2041 with histidine.
Molecular consequence: missense variant.
Genome position (GRCh38, 1-based): chrX:154,353,104, C>G on the plus strand (G>C on the coding strand, the complement: FLNA is on the minus strand). VCF-style: chrX-154353104-C-G. GRCh37 (hg19) VCF-style: chrX-153581472-C-G.
Other names: c.6099G>C, p.Gln2033His (NM_001456.4); short protein forms Q2033H, Q2041H.
Identifiers: ClinVar variation 5021051 (VCV005021051.1).